The following is an entry in ClinVar:

ClinVar aggregate classification (germline): Pathogenic. Review status: criteria provided, multiple submitters, no conflicts (2 of 4 stars). 5 submissions from 5 submitters: Pathogenic (4). 1 of the submissions does not count toward it. Last evaluated 2024-05-23.

Conditions:
PMM2-congenital disorder of glycosylation. Also called: CDG Ia; PMM2-CDG; JAEKEN SYNDROME; PHOSPHOMANNOMUTASE 2 DEFICIENCY; CARBOHYDRATE-DEFICIENT GLYCOPROTEIN SYNDROME, TYPE Ia; Congenital disorder of glycosylation, type Ia. Identifiers: Orphanet 79318, MedGen C0349653, MONDO:0008907, OMIM 212065.

Submissions (5):

Natera, Inc.
Classification: Pathogenic for Congenital disorder of glycosylation type 1a. Last evaluated: 2024-05-23. Review status: criteria provided, single submitter. Criteria: Natera Variant Classification Schema (03/2026). Collection method: clinical testing. Allele origin: germline.
Comment: The c.324del variant in PMM2 is a frameshift variant predicted to shift the reading frame beginning at codon 110 and leads to a stop codon 18 codons downstream. This variant is expected to result in nonsense mediated decay, truncation, or a dysfunctional protein product. This variant is rare in the general population with a frequency below the threshold expected for the associated phenotype(s). This variant has been observed in one or more individuals affected with the associated recessive disease, as either homozygous or compound heterozygous with a second variant (PMID: 9497260). Given the available evidence, this variant is classified as Pathogenic.

Labcorp Genetics (formerly Invitae), Labcorp
Classification: Pathogenic for PMM2-congenital disorder of glycosylation. Last evaluated: 2023-12-25. Review status: criteria provided, single submitter. Criteria: Invitae Variant Classification Sherloc (09022015). Collection method: clinical testing. Allele origin: germline.
Comment: This sequence change creates a premature translational stop signal (p.Ile110Leufs*18) in the PMM2 gene. It is expected to result in an absent or disrupted protein product. Loss-of-function variants in PMM2 are known to be pathogenic (PMID: 19862844). This variant is not present in population databases (gnomAD no frequency). This premature translational stop signal has been observed in individual(s) with clinical features of PMM2-congenital disorder of glycosylation (CDG-Ia) (PMID: 9497260). ClinVar contains an entry for this variant (Variation ID: 503676). Algorithms developed to predict the effect of sequence changes on RNA splicing suggest that this variant may disrupt the consensus splice site. For these reasons, this variant has been classified as Pathogenic.

GeneDx
Classification: Pathogenic. Last evaluated: 2020-10-28. Review status: criteria provided, single submitter. Criteria: GeneDx Variant Classification Process June 2021. Collection method: clinical testing. Allele origin: germline. Affected: yes.
Comment: Frameshift variant predicted to result in protein truncation or nonsense mediated decay in a gene for which loss-of-function is a known mechanism of disease; Not observed in large population cohorts (Lek et al., 2016); This variant is associated with the following publications: (PMID: 9497260)

Women's Health and Genetics/Laboratory Corporation of America, LabCorp
Classification: Pathogenic for Congenital disorder of glycosylation, type Ia. Last evaluated: 2020-01-18. Review status: criteria provided, single submitter. Criteria: LabCorp Variant Classification Summary - May 2015. Collection method: clinical testing. Allele origin: germline.
Comment: Variant summary: PMM2 c.324delG (p.Ile110LeufsX18) results in a premature termination codon, predicted to cause a truncation of the encoded protein or absence of the protein due to nonsense mediated decay, which are commonly known mechanisms for disease. Truncations downstream of this position have been classified as pathogenic by our laboratory. The variant was absent in 251440 control chromosomes. c.324delG has been reported in the literature in at-least one individual affected with Congenital Disorder of Glycosylation Type 1a and has been subsequently cited by others (example Matthjis_1998, Carchon_1999, Schollen_2002). These data indicate that the variant is likely to be associated with disease. To our knowledge, no experimental evidence demonstrating an impact on protein function has been reported. Two clinical diagnostic laboratories have submitted clinical-significance assessments for this variant to ClinVar after 2014 without evidence for independent evaluation. All laboratories classified the variant as pathogenic(n=1)/likely pathogenic(n=1) using overlapping evidence utilized in the context of this evaluation. Based on the evidence outlined above, the variant was classified as pathogenic.

Counsyl
Classification: Likely pathogenic for PMM2-congenital disorder of glycosylation. Last evaluated: 2017-11-01. Review status: no assertion criteria provided. Collection method: clinical testing. Allele origin: unknown. Not counted in ClinVar's aggregate classification.

Literature cited by the submitters: PubMed 9497260 (cited by 4 submitters); PubMed 19862844 (cited by Labcorp Genetics (formerly Invitae), Labcorp); PubMed 10571009 (cited by Women's Health and Genetics/Laboratory Corporation of America, LabCorp); PubMed 12357336 (cited by Women's Health and Genetics/Laboratory Corporation of America, LabCorp).

NM_000303.3(PMM2):c.324del (p.Ile110fs)

Gene: PMM2 (phosphomannomutase 2; plus strand). Cytogenetic location: 16p13.2.
Variant type: Deletion.
Coding change: c.324del on transcript NM_000303.3 (MANE Select); coding-DNA position 324, one base deleted (G; older notation c.324delG).
Protein change: p.Ile110fs; shifts the reading frame from isoleucine 110.
Molecular consequence: frameshift variant.
Genome position (GRCh38, 1-based): chr16:8,806,384, G deleted. VCF-style (leftmost placement, unchanged base first): chr16-8806383-CG-C. GRCh37 (hg19) VCF-style: chr16-8900240-CG-C.
Other names: c.324delG (NM_000303.2); short protein forms I110fs.
Identifiers: ClinVar variation 503676 (VCV000503676.14), dbSNP rs1555449314, ClinGen allele CA658798539.